The following is an entry in ClinVar:

ClinVar aggregate classification (germline): Benign. Review status: criteria provided, single submitter (1 of 4 stars). 2 submissions from 1 submitter: Benign (2). Last evaluated 2018-01-13.

Conditions:
Jervell and Lange-Nielsen syndrome 2 (JLNS2). Identifiers: Orphanet 768, Orphanet 90647, MedGen C2676723, MONDO:0012871, OMIM 612347.
Long QT syndrome 5 (LQT5). Identifiers: Orphanet 101016, Orphanet 768, MedGen C1867904, MONDO:0013372, OMIM 613695.

Allele frequency attached by ClinVar (database versions not stated): gnomAD 0.03124; 1000 Genomes Project 0.03594.

Submissions (2):

Illumina Laboratory Services, Illumina
Classification: Benign for Jervell and Lange-Nielsen syndrome 2. Last evaluated: 2018-01-13. Review status: criteria provided, single submitter. Criteria: ICSL Variant Classification Criteria 13 December 2019. Collection method: clinical testing. Allele origin: germline.
Comment: This variant was observed in the ICSL laboratory as part of a predisposition screen in an ostensibly healthy population. It had not been previously curated by ICSL or reported in the Human Gene Mutation Database (HGMD: prior to June 1st, 2018), and was therefore a candidate for classification through an automated scoring system. Utilizing variant allele frequency, disease prevalence and penetrance estimates, and inheritance mode, an automated score was calculated to assess if this variant is too frequent to cause the disease. Based on the score and internal cut-off values, a variant classified as benign is not then subjected to further curation. The score for this variant resulted in a classification of benign for this disease.

Illumina Laboratory Services, Illumina
Classification: Benign for Long QT syndrome 5. Last evaluated: 2018-01-13. Review status: criteria provided, single submitter. Criteria: ICSL Variant Classification Criteria 13 December 2019. Collection method: clinical testing. Allele origin: germline.
Comment: the same text as in the submission from Illumina Laboratory Services, Illumina above.

NM_000219.6(KCNE1):c.*1068A>C

Gene: KCNE1 (potassium voltage-gated channel subfamily E regulatory subunit 1; minus strand). Cytogenetic location: 21q22.12.
Variant type: single nucleotide variant.
Coding change: c.*1068A>C on transcript NM_000219.6 (MANE Select); 1068 bases downstream of the stop codon, A replaced by C.
Molecular consequence: 3 prime UTR variant.
Genome position (GRCh38, 1-based): chr21:34,448,177, T>G on the plus strand (A>C on the coding strand, the complement: KCNE1 is on the minus strand). VCF-style: chr21-34448177-T-G. GRCh37 (hg19) VCF-style: chr21-35820475-T-G.
Other names: c.*1068A>C (NM_001127668.4, NM_001127669.4, NM_001127670.4 and 4 more transcripts).
Identifiers: ClinVar variation 339753 (VCV000339753.6), dbSNP rs41314803, ClinGen allele CA10650388.